The following is an entry in ClinVar:

NM_005120.3(MED12):c.6111C>T (p.Gly2037=)

Gene: MED12 (mediator complex subunit 12; plus strand). Cytogenetic location: Xq13.1.
Variant type: single nucleotide variant.
Coding change: c.6111C>T on transcript NM_005120.3 (MANE Select); coding-DNA position 6111, C replaced by T.
Protein change: p.Gly2037=; no amino-acid change (glycine 2037 retained).
Molecular consequence: synonymous variant.
Genome position (GRCh38, 1-based): chrX:71,140,701, C>T. VCF-style: chrX-71140701-C-T. GRCh37 (hg19) VCF-style: chrX-70360551-C-T.
Identifiers: ClinVar variation 1751688 (VCV001751688.6), dbSNP rs370522888, ClinGen allele CA10444873.

ClinVar aggregate classification (germline): Likely benign. Review status: criteria provided, multiple submitters, no conflicts (2 of 4 stars). 3 submissions from 3 submitters: Likely benign (3). Last evaluated 2026-02-11.

Conditions:
MED12-Related Disorders. Also called: MED12-related disorder; MED12-related condition. Identifiers: MedGen CN381102.
FG syndrome (FGS). Identifiers: MedGen C0220769, MONDO:0002010.
Familial thoracic aortic aneurysm and aortic dissection (TAAD). Also called: Thoracic aortic aneurysms and dissections. Identifiers: Orphanet 91387, MedGen C4707243, MONDO:0019625.

Allele frequency attached by ClinVar (database versions not stated): TOPMed 0.00001; gnomAD 0.00003; ExAC 0.00007; 1000 Genomes Project 30x 0.00021; 1000 Genomes Project 0.00026.
gnomAD v4.1: 24 of 1,207,407 alleles (0.002%); highest among the groups gnomAD compares: South Asian, 0.019%; no homozygotes.

Submissions (3):

PreventionGenetics, part of Exact Sciences
Classification: Likely benign for MED12-related condition. Last evaluated: 2026-02-11. Review status: criteria provided, single submitter. Criteria: ACMG Guidelines, 2015. Collection method: clinical testing. Allele origin: germline.
Comment: This variant is classified as likely benign based on ACMG/AMP sequence variant interpretation guidelines (Richards et al. 2015 PMID: 25741868, with internal and published modifications).

Labcorp Genetics (formerly Invitae), Labcorp
Classification: Likely benign for FG syndrome. Last evaluated: 2026-01-06. Review status: criteria provided, single submitter. Criteria: Invitae Variant Classification Sherloc (09022015). Collection method: clinical testing. Allele origin: germline.

Ambry Genetics
Classification: Likely benign for Familial thoracic aortic aneurysm and aortic dissection. Last evaluated: 2018-06-30. Review status: criteria provided, single submitter. Criteria: Ambry Variant Classification Scheme 2023. Collection method: clinical testing. Allele origin: germline.